The following is an entry in ClinVar:

NM_001394372.1(BICRA):c.2018G>T (p.Ser673Ile)

Gene: BICRA (BRD4 interacting chromatin remodeling complex associated protein; plus strand). Cytogenetic location: 19q13.33.
Variant type: single nucleotide variant.
Coding change: c.2018G>T on transcript NM_001394372.1 (MANE Select); coding-DNA position 2018, G replaced by T.
Protein change: p.Ser673Ile; replaces serine 673 with isoleucine.
Molecular consequence: missense variant.
Genome position (GRCh38, 1-based): chr19:47,681,188, G>T. VCF-style: chr19-47681188-G-T. GRCh37 (hg19) VCF-style: chr19-48184445-G-T.
Other names: c.2018G>T, p.Ser673Ile (NM_015711.3); short protein forms S673I.
Identifiers: ClinVar variation 3235790 (VCV003235790.1), dbSNP rs1973050209, ClinGen allele CA406616682.

ClinVar aggregate classification (germline): Uncertain significance (1 of 4 stars; one submission).

Allele frequency attached by ClinVar (database versions not stated): gnomAD exomes below 0.00001.
gnomAD v4.1: 2 of 1,532,018 alleles (0.00013%); highest among the groups gnomAD compares: Admixed American, 0.002%; no homozygotes.

Submission:

Greenwood Genetic Center Diagnostic Laboratories, Greenwood Genetic Center
Classification: Uncertain significance. Last evaluated: 2024-03-13. Review status: criteria provided, single submitter. Criteria: ACMG Guidelines, 2015. Collection method: clinical testing. Allele origin: germline. Affected: yes.
Comment: PM2, BP4